The following is an entry in ClinVar:

NM_002087.4(GRN):c.1153del (p.Glu385fs)

Gene: GRN (granulin precursor; plus strand). Cytogenetic location: 17q21.31.
Variant type: Deletion.
Coding change: c.1153del on transcript NM_002087.4 (MANE Select); coding-DNA position 1153, one base deleted (G; older notation c.1153delG).
Protein change: p.Glu385fs; shifts the reading frame from glutamic acid 385.
Molecular consequence: frameshift variant.
Genome position (GRCh38, 1-based): chr17:44,351,769, G deleted; the last of 4 consecutive G bases (chr17:44,351,766-44,351,769); deleting any one gives the same sequence. VCF-style (leftmost placement, unchanged base first): chr17-44351765-TG-T. GRCh37 (hg19) VCF-style: chr17-42429133-TG-T.
Other names: short protein forms E385fs.
Identifiers: ClinVar variation 1371968 (VCV001371968.6), dbSNP rs2143342203, ClinGen allele CA2573153932.
Genomic context (GRCh38, chr17:44,351,765, plus strand): 5'-TGTCCCCTGTGATAATGTCAGCAGCTGTCCCTCCTCCGATACCTGCTGCCAACTCACGTC[TG>T]GGGAGTGGGGCTGCTGTCCAATCCCAGAGGTATATGGGAGGGGACAGCATCTTGGCCTGG-3'

ClinVar aggregate classification (germline): Pathogenic (1 of 4 stars; one submission).

Conditions:
GRN-related frontotemporal lobar degeneration with Tdp43 inclusions (FTD2). Also called: DEMENTIA, HEREDITARY DYSPHASIC DISINHIBITION; FRONTOTEMPORAL LOBAR DEGENERATION WITH UBIQUITIN-POSITIVE INCLUSIONS; FTLD-TDP, GRN-RELATED; GRN Frontotemporal Dementia; FRONTOTEMPORAL DEMENTIA WITH TDP43 INCLUSIONS, GRN-RELATED. Identifiers: Orphanet 100070, Orphanet 282, MedGen C1843792, MONDO:0011842, OMIM 607485. Disease mechanism: loss of function.
Neuronal ceroid lipofuscinosis 11. Also called: GRN-Related Neuronal Ceroid-Lipofuscinosis. Identifiers: Orphanet 314629, Orphanet 79262, MedGen C3539123, MONDO:0013866, OMIM 614706.

Submission:

Labcorp Genetics (formerly Invitae), Labcorp
Classification: Pathogenic for Neuronal ceroid lipofuscinosis 11; GRN-related frontotemporal lobar degeneration with Tdp43 inclusions. Last evaluated: 2021-04-24. Review status: criteria provided, single submitter. Criteria: Invitae Variant Classification Sherloc (09022015). Collection method: clinical testing. Allele origin: germline.
Comment: For these reasons, this variant has been classified as Pathogenic. This variant has not been reported in the literature in individuals with GRN-related conditions. This variant is not present in population databases (ExAC no frequency). This sequence change creates a premature translational stop signal (p.Glu385Serfs*27) in the GRN gene. It is expected to result in an absent or disrupted protein product. Loss-of-function variants in GRN are known to be pathogenic (PMID: 22608501).

Literature cited by the submitters: PubMed 22608501.